The following is an entry in ClinVar:

ClinVar aggregate classification (germline): Conflicting classifications of pathogenicity. Review status: criteria provided, conflicting classifications (1 of 4 stars). 4 submissions from 3 submitters: Uncertain significance (1); Benign (1); Likely benign (2). Last evaluated 2024-10-25.

Conditions:
Inborn genetic diseases. Identifiers: MedGen C0950123, MeSH D030342.
Glaucoma 1, open angle, E. Identifiers: MedGen C1842026, MONDO:0007665.
Amyotrophic lateral sclerosis type 12 (ALS12). Also called: AMYOTROPHIC LATERAL SCLEROSIS 12 WITH OR WITHOUT FRONTOTEMPORAL DEMENTIA. Identifiers: Orphanet 803, MedGen C3150692, MONDO:0013264, OMIM 613435.
Primary open angle glaucoma (POAG). Also called: OPTN-related open angle glaucoma. Identifiers: MedGen C0339573, MONDO:0100553, OMIM 137760.

Allele frequency attached by ClinVar (database versions not stated): gnomAD 0.00001; gnomAD exomes 0.00001 and 0.00004; ExAC 0.00002; TOPMed 0.00002.

Submissions (4):

Labcorp Genetics (formerly Invitae), Labcorp
Classification: Likely benign for Primary open angle glaucoma; Glaucoma 1, open angle, E; Amyotrophic lateral sclerosis type 12. Last evaluated: 2024-10-25. Review status: criteria provided, single submitter. Criteria: Invitae Variant Classification Sherloc (09022015). Collection method: clinical testing. Allele origin: germline.

Ambry Genetics
Classification: Likely benign for Inborn genetic diseases. Last evaluated: 2019-07-11. Review status: criteria provided, single submitter. Criteria: Ambry Variant Classification Scheme 2023. Collection method: clinical testing. Allele origin: germline.

Illumina Laboratory Services, Illumina
Classification: Uncertain significance for Amyotrophic lateral sclerosis type 12. Last evaluated: 2018-01-12. Review status: criteria provided, single submitter. Criteria: ICSL Variant Classification Criteria 13 December 2019. Collection method: clinical testing. Allele origin: germline.

Illumina Laboratory Services, Illumina
Classification: Benign for Primary open angle glaucoma. Last evaluated: 2018-01-12. Review status: criteria provided, single submitter. Criteria: ICSL Variant Classification Criteria 13 December 2019. Collection method: clinical testing. Allele origin: germline.
Comment: This variant was observed in the ICSL laboratory as part of a predisposition screen in an ostensibly healthy population. It had not been previously curated by ICSL or reported in the Human Gene Mutation Database (HGMD: prior to June 1st, 2018), and was therefore a candidate for classification through an automated scoring system. Utilizing variant allele frequency, disease prevalence and penetrance estimates, and inheritance mode, an automated score was calculated to assess if this variant is too frequent to cause the disease. Based on the score and internal cut-off values, a variant classified as benign is not then subjected to further curation. The score for this variant resulted in a classification of benign for this disease.

NM_001008212.2(OPTN):c.444G>A (p.Val148=)

Gene: OPTN (optineurin; plus strand). Cytogenetic location: 10p13.
Variant type: single nucleotide variant.
Coding change: c.444G>A on transcript NM_001008212.2 (MANE Select); coding-DNA position 444, G replaced by A.
Protein change: p.Val148=; no amino-acid change (valine 148 retained).
Molecular consequence: synonymous variant.
Genome position (GRCh38, 1-based): chr10:13,112,527, G>A. VCF-style: chr10-13112527-G-A. GRCh37 (hg19) VCF-style: chr10-13154527-G-A.
Other names: c.444G>A, p.Val148= (NM_001008211.1, NM_001008213.1, NM_021980.4).
Identifiers: ClinVar variation 299213 (VCV000299213.14), dbSNP rs780011442, ClinGen allele CA5410625.
Genomic context (GRCh38, chr10:13,112,527, plus strand): 5'-CTCCAGGCTTCCCAGGGCCGAAGCGGAGCAGGAAAAGGACCAGCTCAGGACCCAGGTGGT[G>A]AGGCTACAAGCAGAGAAGGCAGACCTGTTGGGCATCGTGTCTGAACTGCAGCTCAAGCTG-3'
Protein context (NP_001008213.1, residues 138-158): QEKDQLRTQV[Val148=]RLQAEKADLL